The following is an entry in ClinVar:

NM_001903.5(CTNNA1):c.2297A>G (p.His766Arg)

Gene: CTNNA1 (catenin alpha 1; plus strand). Cytogenetic location: 5q31.2.
Variant type: single nucleotide variant.
Coding change: c.2297A>G on transcript NM_001903.5 (MANE Select); coding-DNA position 2297, A replaced by G.
Protein change: p.His766Arg; replaces histidine 766 with arginine.
Molecular consequence: missense variant.
Genome position (GRCh38, 1-based): chr5:138,930,934, A>G. VCF-style: chr5-138930934-A-G. GRCh37 (hg19) VCF-style: chr5-138266623-A-G.
Other names: c.2297A>G, p.His766Arg (NM_001290307.3, NM_001323982.2, NM_001323983.1 and 2 more transcripts); c.1988A>G, p.His663Arg (NM_001290309.3); c.1928A>G, p.His643Arg (NM_001290310.3); c.1187A>G, p.His396Arg (NM_001290312.1, NM_001323987.1, NM_001323988.1 and 17 more transcripts); c.2204A>G, p.His735Arg (NM_001323986.2); c.848A>G, p.His283Arg (NM_001324006.1, NM_001324007.1, NM_001324008.1 and 2 more transcripts); c.1094A>G, p.His365Arg (NM_001324011.1); c.944A>G, p.His315Arg (NM_001324012.1, NM_001324013.1); short protein forms H315R, H365R, H396R, H643R, H663R, H283R, H735R, H766R.
Identifiers: ClinVar variation 3270077 (VCV003270077.1).

ClinVar aggregate classification (germline): Uncertain significance (1 of 4 stars; one submission).

Conditions:
Hereditary cancer-predisposing syndrome. Also called: Tumor predisposition; Hereditary Cancer Syndrome; Hereditary neoplastic syndrome; Neoplastic Syndromes, Hereditary. Identifiers: Orphanet 140162, MedGen C0027672, MeSH D009386, MONDO:0015356.

gnomAD v4.1: 1 of 1,609,594 alleles (0.000062%); highest among the groups gnomAD compares: Non-Finnish European, 0.000085%; no homozygotes.

Submission:

Ambry Genetics
Classification: Uncertain significance for Hereditary cancer-predisposing syndrome. Last evaluated: 2024-03-20. Review status: criteria provided, single submitter. Criteria: Ambry Variant Classification Scheme 2023. Collection method: clinical testing. Allele origin: germline.
Comment: The p.H766R variant (also known as c.2297A>G), located in coding exon 15 of the CTNNA1 gene, results from an A to G substitution at nucleotide position 2297. The histidine at codon 766 is replaced by arginine, an amino acid with highly similar properties. This amino acid position is conserved. In addition, this alteration is predicted to be tolerated by in silico analysis. Based on the available evidence, the clinical significance of this alteration remains unclear.